The following is an entry in ClinVar:

ClinVar aggregate classification (germline): Uncertain significance. Review status: criteria provided, multiple submitters, no conflicts (2 of 4 stars). 2 submissions from 2 submitters: Uncertain significance (2). Last evaluated 2025-05-31.

Conditions:
Inborn genetic diseases. Identifiers: MedGen C0950123, MeSH D030342.

gnomAD v4.1: 2 of 1,613,642 alleles (0.00012%); highest among the groups gnomAD compares: Non-Finnish European, 0.00017%; no homozygotes.

Submissions (2):

Ambry Genetics
Classification: Uncertain significance for Inborn genetic diseases. Last evaluated: 2025-05-31. Review status: criteria provided, single submitter. Criteria: Ambry Variant Classification Scheme 2023. Collection method: clinical testing. Allele origin: germline.
Comment: The p.P1402Q variant (also known as c.4205C>A), located in coding exon 1 of the SAMD9L gene, results from a C to A substitution at nucleotide position 4205. The proline at codon 1402 is replaced by glutamine, an amino acid with similar properties. This amino acid position is conserved. In addition, this alteration is predicted to be tolerated by in silico analysis. Based on the available evidence, the clinical significance of this variant remains unclear.

Labcorp Genetics (formerly Invitae), Labcorp
Classification: Uncertain significance. Last evaluated: 2024-07-15. Review status: criteria provided, single submitter. Criteria: Invitae Variant Classification Sherloc (09022015). Collection method: clinical testing. Allele origin: germline.
Comment: This sequence change replaces proline, which is neutral and non-polar, with glutamine, which is neutral and polar, at codon 1402 of the SAMD9L protein (p.Pro1402Gln). This variant is present in population databases (rs780318573, gnomAD 0.002%). This variant has not been reported in the literature in individuals affected with SAMD9L-related conditions. Advanced modeling of protein sequence and biophysical properties (such as structural, functional, and spatial information, amino acid conservation, physicochemical variation, residue mobility, and thermodynamic stability) performed at Invitae indicates that this missense variant is not expected to disrupt SAMD9L protein function with a negative predictive value of 80%. In summary, the available evidence is currently insufficient to determine the role of this variant in disease. Therefore, it has been classified as a Variant of Uncertain Significance.

NM_152703.5(SAMD9L):c.4205C>A (p.Pro1402Gln)

Gene: SAMD9L (sterile alpha motif domain containing 9 like; minus strand). Cytogenetic location: 7q21.2.
Variant type: single nucleotide variant.
Coding change: c.4205C>A on transcript NM_152703.5 (MANE Select); coding-DNA position 4205, C replaced by A.
Protein change: p.Pro1402Gln; replaces proline 1402 with glutamine.
Molecular consequence: missense variant.
Genome position (GRCh38, 1-based): chr7:93,131,767, G>T on the plus strand (C>A on the coding strand, the complement: SAMD9L is on the minus strand). VCF-style: chr7-93131767-G-T. GRCh37 (hg19) VCF-style: chr7-92761080-G-T.
Other names: c.4205C>A (NM_152703.2); c.4205C>A, p.Pro1402Gln (NM_001303496.3, NM_001303497.3, NM_001303498.3 and 5 more transcripts); short protein forms P1402Q.
Identifiers: ClinVar variation 3671692 (VCV003671692.3).
Genomic context (GRCh38, chr7:93,131,767, plus strand): 5'-TGATGACTTAGTCCTACAAATTGCAAGACCTCTCGGAGTTGTTTTTTTAGCGTGGTAAGT[G>T]GTTGAATTAACTTGGAGTTGGGCTTTAGACAACTCAGAATAATGTTGGCCAAAATGGAAT-3'
Protein context (NP_689916.2, residues 1392-1412): CLKPNSKLIQ[Pro1402Gln]LTTLKKQLRE